The following is an entry in ClinVar:

NM_002647.4(PIK3C3):c.2199C>T (p.Cys733=)

Gene: PIK3C3 (phosphatidylinositol 3-kinase catalytic subunit type 3; plus strand). Cytogenetic location: 18q12.3.
Variant type: single nucleotide variant.
Coding change: c.2199C>T on transcript NM_002647.4 (MANE Select); coding-DNA position 2199, C replaced by T.
Protein change: p.Cys733=; no amino-acid change (cysteine 733 retained).
Molecular consequence: synonymous variant.
Genome position (GRCh38, 1-based): chr18:42,049,541, C>T. VCF-style: chr18-42049541-C-T. GRCh37 (hg19) VCF-style: chr18-39629505-C-T.
Other names: c.2010C>T, p.Cys670= (NM_001308020.2).
Identifiers: ClinVar variation 3771743 (VCV003771743.13).
Genomic context (GRCh38, chr18:42,049,541, plus strand): 5'-TAACCTGGTTTGCATTTGTTTTCACATATTTTTTTTAACTGTTACTGCAGCTGGATATTG[C>T]GTGATCACCTATATACTTGGAGTTGGAGACAGGCACCTGGATAACCTTTTGCTAACAAAA-3'
Protein context (NP_002638.2, residues 723-743): DTYVKSCAGY[Cys733=]VITYILGVGD

ClinVar aggregate classification (germline): Likely benign (1 of 4 stars; one submission).

gnomAD v4.1: 9 of 1,611,632 alleles (0.00056%); highest among the groups gnomAD compares: South Asian, 0.0055%; no homozygotes.

Submission:

CeGaT Center for Human Genetics Tuebingen
Classification: Likely benign. Last evaluated: 2025-02-01. Review status: criteria provided, single submitter. Criteria: CeGaT Center For Human Genetics Tuebingen Variant Classification Criteria Version 2. Collection method: clinical testing. Allele origin: germline. Affected: yes. Observed: 1 variant allele.
Comment: PIK3C3: BP4, BP7